The following is an entry in ClinVar:

ClinVar aggregate classification (germline): Uncertain significance. Review status: criteria provided, multiple submitters, no conflicts (2 of 4 stars). 2 submissions from 2 submitters: Uncertain significance (2). Last evaluated 2025-11-10.

Conditions:
Cardiovascular phenotype. Identifiers: MedGen CN230736.
Long QT syndrome (LQTS). Identifiers: MedGen C0023976, MeSH D008133, MONDO:0002442. Disease mechanism: loss of function. Inheritance: Various modes of inheritance.

gnomAD v4.1: 1 of 1,612,182 alleles (0.000062%); no homozygotes.

Submissions (2):

Ambry Genetics
Classification: Uncertain significance for Cardiovascular phenotype. Last evaluated: 2025-11-10. Review status: criteria provided, single submitter. Criteria: Ambry Variant Classification Scheme 2023. Collection method: clinical testing. Allele origin: germline.
Comment: The p.R1707G variant (also known as c.5119A>G), located in coding exon 20 of the AKAP9 gene, results from an A to G substitution at nucleotide position 5119. The arginine at codon 1707 is replaced by glycine, an amino acid with dissimilar properties. This amino acid position is conserved. In addition, this alteration is predicted to be tolerated by in silico analysis. Based on the available evidence, the clinical significance of this variant remains unclear.

Labcorp Genetics (formerly Invitae), Labcorp
Classification: Uncertain significance for Long QT syndrome. Last evaluated: 2025-01-28. Review status: criteria provided, single submitter. Criteria: Invitae Variant Classification Sherloc (09022015). Collection method: clinical testing. Allele origin: germline.
Comment: This sequence change replaces arginine, which is basic and polar, with glycine, which is neutral and non-polar, at codon 1707 of the AKAP9 protein (p.Arg1707Gly). This variant is present in population databases (no rsID available, gnomAD no frequency). This variant has not been reported in the literature in individuals affected with AKAP9-related conditions. An algorithm developed to predict the effect of missense changes on protein structure and function (PolyPhen-2) suggests that this variant is likely to be tolerated. In summary, the available evidence is currently insufficient to determine the role of this variant in disease. Therefore, it has been classified as a Variant of Uncertain Significance.

NM_005751.5(AKAP9):c.5119A>G (p.Arg1707Gly)

Gene: AKAP9 (A-kinase anchoring protein 9; plus strand). Cytogenetic location: 7q21.2.
Variant type: single nucleotide variant.
Coding change: c.5119A>G on transcript NM_005751.5 (MANE Select); coding-DNA position 5119, A replaced by G.
Protein change: p.Arg1707Gly; replaces arginine 1707 with glycine.
Molecular consequence: missense variant.
Genome position (GRCh38, 1-based): chr7:92,042,728, A>G. VCF-style: chr7-92042728-A-G. GRCh37 (hg19) VCF-style: chr7-91672042-A-G.
Other names: c.5119A>G, p.Arg1707Gly (NM_147185.3); short protein forms R1707G.
Identifiers: ClinVar variation 3624309 (VCV003624309.3).